The following is an entry in ClinVar:

ClinVar aggregate classification (germline): Uncertain significance. Review status: criteria provided, single submitter (1 of 4 stars). 3 submissions from 3 submitters: Uncertain significance (1). 2 of the submissions do not count toward it.

Conditions:
Cystic fibrosis (CF). Also called: MUCOVISCIDOSIS. Identifiers: Orphanet 586, MedGen C0010674, MONDO:0009061, OMIM 219700. Disease mechanism: loss of function.
Congenital bilateral aplasia of vas deferens from CFTR mutation (CBAVD). Identifiers: Orphanet 48, MedGen C0403814, MONDO:0010178, OMIM 277180. Disease mechanism: loss of function.

Allele frequency attached by ClinVar (database versions not stated): TOPMed 0.00001.

Submissions (3):

Juno Genomics, Hangzhou Juno Genomics, Inc
Classification: Uncertain significance for Congenital bilateral aplasia of vas deferens from CFTR mutation; Cystic fibrosis. Review status: criteria provided, single submitter. Criteria: ACMG Guidelines, 2015. Collection method: clinical testing. Allele origin: germline.
Comment: Absent from controls (or at extremely low frequency if recessive) in Genome Aggregation Database.;Multiple lines of computational evidence support a deleterious effect on the gene or gene product.

Natera, Inc.
Classification: Uncertain significance for Cystic Fibrosis. Last evaluated: 2020-09-16. Review status: no assertion criteria provided. Collection method: clinical testing. Allele origin: germline. Not counted in ClinVar's aggregate classification.

Women's Health and Genetics/Laboratory Corporation of America, LabCorp
Classification: Uncertain significance for Cystic Fibrosis. Last evaluated: 2015-10-02. Review status: no assertion criteria provided. Collection method: clinical testing. Allele origin: germline. Not counted in ClinVar's aggregate classification.

NM_000492.4(CFTR):c.3893G>C (p.Gly1298Ala)

Gene: CFTR (CF transmembrane conductance regulator; plus strand). Cytogenetic location: 7q31.2.
Variant type: single nucleotide variant.
Coding change: c.3893G>C on transcript NM_000492.4 (MANE Select); coding-DNA position 3893, G replaced by C.
Protein change: p.Gly1298Ala; replaces glycine 1298 with alanine.
Molecular consequence: missense variant.
Genome position (GRCh38, 1-based): chr7:117,652,861, G>C. VCF-style: chr7-117652861-G-C. GRCh37 (hg19) VCF-style: chr7-117292915-G-C.
Other names: short protein forms G1298A.
Identifiers: ClinVar variation 35878 (VCV000035878.4), dbSNP rs193922522, ClinGen allele CA325708.